The following is an entry in ClinVar:

ClinVar aggregate classification (germline): Uncertain significance (1 of 4 stars; one submission).

Conditions:
Hereditary cancer-predisposing syndrome. Also called: Neoplastic Syndromes, Hereditary; Tumor predisposition; Hereditary neoplastic syndrome; Hereditary Cancer Syndrome. Identifiers: Orphanet 140162, MedGen C0027672, MeSH D009386, MONDO:0015356.

Allele frequency attached by ClinVar (database versions not stated): gnomAD exomes below 0.00001.
gnomAD v4.1: 1 of 1,614,182 alleles (0.000062%); highest among the groups gnomAD compares: Non-Finnish European, 0.000085%; no homozygotes.

Submission:

Ambry Genetics
Classification: Uncertain significance for Hereditary cancer-predisposing syndrome. Last evaluated: 2024-07-26. Review status: criteria provided, single submitter. Criteria: Ambry Variant Classification Scheme 2023. Collection method: clinical testing. Allele origin: germline.
Comment: The p.I1175M variant (also known as c.3525T>G), located in coding exon 20 of the DICER1 gene, results from a T to G substitution at nucleotide position 3525. The isoleucine at codon 1175 is replaced by methionine, an amino acid with highly similar properties. This amino acid position is not well conserved in available vertebrate species. In addition, this alteration is predicted to be tolerated by in silico analysis. Since supporting evidence is limited at this time, the clinical significance of this alteration remains unclear.

NM_177438.3(DICER1):c.3525T>G (p.Ile1175Met)

Gene: DICER1 (dicer 1, ribonuclease III; minus strand). Cytogenetic location: 14q32.13.
Variant type: single nucleotide variant.
Coding change: c.3525T>G on transcript NM_177438.3 (MANE Select); coding-DNA position 3525, T replaced by G.
Protein change: p.Ile1175Met; replaces isoleucine 1175 with methionine.
Molecular consequence: missense variant.
Genome position (GRCh38, 1-based): chr14:95,103,871, A>C on the plus strand (T>G on the coding strand, the complement: DICER1 is on the minus strand). VCF-style: chr14-95103871-A-C. GRCh37 (hg19) VCF-style: chr14-95570208-A-C.
Other names: c.3525T>G, p.Ile1175Met (NM_001195573.1, NM_001271282.3, NM_001291628.2 and 1 more transcripts); short protein forms I1175M.
Identifiers: ClinVar variation 823883 (VCV000823883.5), dbSNP rs1595366319, ClinGen allele CA390875071.